The following is an entry in ClinVar:

ClinVar aggregate classification (germline): Uncertain significance (1 of 4 stars; one submission).

Submission:

Labcorp Genetics (formerly Invitae), Labcorp
Classification: Uncertain significance. Last evaluated: 2024-09-09. Review status: criteria provided, single submitter. Criteria: Invitae Variant Classification Sherloc (09022015). Collection method: clinical testing. Allele origin: germline.
Comment: This sequence change replaces isoleucine, which is neutral and non-polar, with asparagine, which is neutral and polar, at codon 1599 of the FLNB protein (p.Ile1599Asn). This variant is not present in population databases (gnomAD no frequency). This variant has not been reported in the literature in individuals affected with FLNB-related conditions. Invitae Evidence Modeling of protein sequence and biophysical properties (such as structural, functional, and spatial information, amino acid conservation, physicochemical variation, residue mobility, and thermodynamic stability) indicates that this missense variant is not expected to disrupt FLNB protein function with a negative predictive value of 95%. In summary, the available evidence is currently insufficient to determine the role of this variant in disease. Therefore, it has been classified as a Variant of Uncertain Significance.

NM_001457.4(FLNB):c.4796T>A (p.Ile1599Asn)

Gene: FLNB (filamin B; plus strand). Cytogenetic location: 3p14.3.
Variant type: single nucleotide variant.
Coding change: c.4796T>A on transcript NM_001457.4 (MANE Select); coding-DNA position 4796, T replaced by A.
Protein change: p.Ile1599Asn; replaces isoleucine 1599 with asparagine.
Molecular consequence: missense variant.
Genome position (GRCh38, 1-based): chr3:58,136,103, T>A. VCF-style: chr3-58136103-T-A. GRCh37 (hg19) VCF-style: chr3-58121830-T-A.
Other names: c.4889T>A, p.Ile1630Asn (NM_001164317.2); c.4796T>A, p.Ile1599Asn (NM_001164318.2, NM_001164319.2); short protein forms I1630N, I1599N.
Identifiers: ClinVar variation 3635732 (VCV003635732.2).